The following is an entry in ClinVar:

NM_183357.3(ADCY5):c.1402G>T (p.Val468Leu)

Gene: ADCY5 (adenylate cyclase 5; minus strand). Cytogenetic location: 3q21.1.
Variant type: single nucleotide variant.
Coding change: c.1402G>T on transcript NM_183357.3 (MANE Select); coding-DNA position 1402, G replaced by T.
Protein change: p.Val468Leu; replaces valine 468 with leucine.
Molecular consequence: missense variant.
Genome position (GRCh38, 1-based): chr3:123,347,786, C>A on the plus strand (G>T on the coding strand, the complement: ADCY5 is on the minus strand). VCF-style: chr3-123347786-C-A. GRCh37 (hg19) VCF-style: chr3-123066633-C-A.
Other names: c.352G>T, p.Val118Leu (NM_001199642.1); c.1402G>T, p.Val468Leu (NM_001378259.1); short protein forms V118L, V468L.
Identifiers: ClinVar variation 4699333 (VCV004699333.2).

ClinVar aggregate classification (germline): Uncertain significance. Review status: criteria provided, multiple submitters, no conflicts (2 of 4 stars). 2 submissions from 2 submitters: Uncertain significance (2). Last evaluated 2025-04-24.

Submissions (2):

Labcorp Genetics (formerly Invitae), Labcorp
Classification: Uncertain significance. Last evaluated: 2025-04-24. Review status: criteria provided, single submitter. Criteria: Invitae Variant Classification Sherloc (09022015). Collection method: clinical testing. Allele origin: germline.
Comment: This sequence change replaces valine, which is neutral and non-polar, with leucine, which is neutral and non-polar, at codon 468 of the ADCY5 protein (p.Val468Leu). This variant is not present in population databases (gnomAD no frequency). This variant has not been reported in the literature in individuals affected with ADCY5-related conditions. Invitae Evidence Modeling of protein sequence and biophysical properties (such as structural, functional, and spatial information, amino acid conservation, physicochemical variation, residue mobility, and thermodynamic stability) has been performed for this missense variant. However, the output from this modeling did not meet the statistical confidence thresholds required to predict the impact of this variant on ADCY5 protein function. In summary, the available evidence is currently insufficient to determine the role of this variant in disease. Therefore, it has been classified as a Variant of Uncertain Significance.

Blueprint Genetics
Classification: Uncertain significance. Last evaluated: 2023-06-07. Review status: criteria provided, single submitter. Criteria: ACMG Guidelines, 2015. Collection method: clinical testing. Allele origin: germline.